The following is an entry in ClinVar:

NM_030777.4(SLC2A10):c.801del (p.Ser268fs)

Gene: SLC2A10 (solute carrier family 2 member 10; plus strand). Cytogenetic location: 20q13.12.
Variant type: Deletion.
Coding change: c.801del on transcript NM_030777.4 (MANE Select); coding-DNA position 801, one base deleted (C; older notation c.801delC).
Protein change: p.Ser268fs; shifts the reading frame from serine 268.
Molecular consequence: frameshift variant.
Genome position (GRCh38, 1-based): chr20:46,725,837, C deleted; the last of 2 consecutive C bases (chr20:46,725,836-46,725,837); deleting either gives the same sequence. VCF-style (leftmost placement, unchanged base first): chr20-46725835-TC-T. GRCh37 (hg19) VCF-style: chr20-45354474-TC-T.
Other names: c.800del (NM_030777.4); short protein forms S268fs.
Identifiers: ClinVar variation 3776307 (VCV003776307.1).

ClinVar aggregate classification (germline): Pathogenic (1 of 4 stars; one submission).

Conditions:
Arterial tortuosity syndrome (ATORS). Identifiers: Orphanet 3342, MedGen C1859726, MONDO:0008818, OMIM 208050.

Submission:

Shaine Morris Lab, Baylor College of Medicine
Classification: Pathogenic for Arterial tortuosity syndrome. Last evaluated: 2025-03-05. Review status: criteria provided, single submitter. Criteria: ACMG Guidelines, 2015. Collection method: clinical testing. Allele origin: paternal. Inheritance: Autosomal recessive inheritance. Affected: yes. Observed: 1 compound heterozygote.
Comment: We are submitting the c.800del variant in the SLC2A10 gene, located in exon 2, which results in a frameshift mutation (p.Ser268GlnfsTer12).This frameshift is expected to cause aberrant mRNA processing, which could result in a loss of function of the SLC2A10 protein. This variant has been previously described in the literature (PMID 28726533), but it has not yet been described in ClinVar. Based on the clinical and molecular evidence in our study, we are submitting it as pathogenic. Supporting Evidence for Classification: We assigned the following criteria to this variant: PVS1: The c.800del variant results in a frameshift, leading to a premature stop codon at p.Ser268GlnfsTer12, which is expected to result in a truncated protein. Loss-of-function variants, such as frameshift mutations, are considered strong evidence for pathogenicity in ATS. PP4: The patient in our study, who is compound heterozygous for this variant, exhibits clinical features consistent with ATS. PM2: The variant is extremely rare in the general population, with a minor allele frequency (MAF) of 6.84E-07 in gnomAD, consistent with the rarity expected for pathogenic variants in SLC2A10-related disorders. The extremely low allele frequency further supports its pathogenic potential. The presence of a second pathogenic allele strengthens the evidence for pathogenicity. In conclusion, the c.800del (p.Ser268GlnfsTer12) variant in SLC2A10 is classified as pathogenic based on strong clinical, molecular, and computational evidence.

Literature cited by the submitters: PubMed 29323665; PubMed 28726533.